The following is an entry in ClinVar:

NM_024675.4(PALB2):c.1275G>A (p.Val425=)

Gene: PALB2 (partner and localizer of BRCA2; minus strand). Cytogenetic location: 16p12.2.
Variant type: single nucleotide variant.
Coding change: c.1275G>A on transcript NM_024675.4 (MANE Select); coding-DNA position 1275, G replaced by A.
Protein change: p.Val425=; no amino-acid change (valine 425 retained).
Molecular consequence: synonymous variant.
Genome position (GRCh38, 1-based): chr16:23,635,271, C>T on the plus strand (G>A on the coding strand, the complement: PALB2 is on the minus strand). VCF-style: chr16-23635271-C-T. GRCh37 (hg19) VCF-style: chr16-23646592-C-T.
Identifiers: ClinVar variation 758972 (VCV000758972.16), dbSNP rs1597096529, ClinGen allele CA494461597.
Genomic context (GRCh38, chr16:23,635,271, plus strand): 5'-CTTATTTTTATTTTTAAACCCTTTTTTCTTGACATCCAAATGACTCTGAATGACAGCCTC[C>T]ACGGCTACTTTCCTCTGGCAATTGGACATGCTTCGTGTTGTTCTAACATAATATTCTGCA-3'
Protein context (NP_078951.2, residues 415-435): SMSNCQRKVA[Val425=]EAVIQSHLDV

ClinVar aggregate classification (germline): Benign/Likely benign. Review status: criteria provided, multiple submitters, no conflicts (2 of 4 stars). 4 submissions from 4 submitters: Benign (1); Likely benign (3). Last evaluated 2025-08-13.

Conditions:
Hereditary cancer-predisposing syndrome. Also called: Tumor predisposition; Neoplastic Syndromes, Hereditary; Hereditary Cancer Syndrome; Hereditary neoplastic syndrome. Identifiers: Orphanet 140162, MedGen C0027672, MeSH D009386, MONDO:0015356.
Familial cancer of breast. Also called: Hereditary breast cancer; BREAST CANCER, FAMILIAL; hereditary breast carcinoma. Identifiers: Orphanet 227535, MedGen C0346153, MONDO:0016419, OMIM 114480. Disease mechanism: loss of function.

Submissions (4):

Labcorp Genetics (formerly Invitae), Labcorp
Classification: Likely benign for Familial cancer of breast. Last evaluated: 2025-08-13. Review status: criteria provided, single submitter. Criteria: Invitae Variant Classification Sherloc (09022015). Collection method: clinical testing. Allele origin: germline.

Myriad Genetics, Inc.
Classification: Benign for Familial cancer of breast. Last evaluated: 2025-01-13. Review status: criteria provided, single submitter. Criteria: Myriad Autosomal Dominant, Autosomal Recessive and X-Linked Classification Criteria (2023). Collection method: clinical testing. Allele origin: unknown.
Comment: This variant is considered benign. This variant is a silent/synonymous amino acid change and it is not expected to impact splicing.

Color Diagnostics, LLC DBA Color Health
Classification: Likely benign for Hereditary cancer-predisposing syndrome. Last evaluated: 2021-09-23. Review status: criteria provided, single submitter. Criteria: ACMG Guidelines, 2015. Collection method: clinical testing. Allele origin: germline.

Ambry Genetics
Classification: Likely benign for Hereditary cancer-predisposing syndrome. Last evaluated: 2021-01-21. Review status: criteria provided, single submitter. Criteria: Ambry Variant Classification Scheme 2023. Collection method: clinical testing. Allele origin: germline.